The following is an entry in ClinVar:

ClinVar aggregate classification (germline): Likely pathogenic (1 of 4 stars; one submission).

Submission:

Labcorp Genetics (formerly Invitae), Labcorp
Classification: Likely pathogenic. Last evaluated: 2022-02-21. Review status: criteria provided, single submitter. Criteria: Invitae Variant Classification Sherloc (09022015). Collection method: clinical testing. Allele origin: germline.
Comment: This sequence change affects a donor splice site in intron 5 of the MICU1 gene. It is expected to disrupt RNA splicing. Variants that disrupt the donor or acceptor splice site typically lead to a loss of protein function (PMID: 16199547), and loss-of-function variants in MICU1 are known to be pathogenic (PMID: 24336167). This variant is not present in population databases (gnomAD no frequency). This variant has not been reported in the literature in individuals affected with MICU1-related conditions. Algorithms developed to predict the effect of sequence changes on RNA splicing suggest that this variant may disrupt the consensus splice site. In summary, the currently available evidence indicates that the variant is pathogenic, but additional data are needed to prove that conclusively. Therefore, this variant has been classified as Likely Pathogenic.

Literature cited by the submitters: PubMed 16199547; PubMed 24336167.

NM_001195518.2(MICU1):c.537+1G>T

Gene: MICU1 (mitochondrial calcium uptake 1; minus strand). Cytogenetic location: 10q22.1.
Variant type: single nucleotide variant.
Coding change: c.537+1G>T on transcript NM_001195518.2 (MANE Select); the canonical splice donor site of the intron after coding-DNA position 537, G replaced by T.
Molecular consequence: splice donor variant.
Genome position (GRCh38, 1-based): chr10:72,533,745, C>A on the plus strand (G>T on the coding strand, the complement: MICU1 is on the minus strand). VCF-style: chr10-72533745-C-A. GRCh37 (hg19) VCF-style: chr10-74293503-C-A.
Other names: c.537+1G>T (NM_006077.4, NM_001363513.2).
Identifiers: ClinVar variation 1950509 (VCV001950509.5), dbSNP rs1839553121, ClinGen allele CA377394564.
Genomic context (GRCh38, chr10:72,533,745, plus strand): 5'-ACTTAAAAATCTTCTTAGTAAATGATAGGATATATGTATAGAAGTGTCATAGTTTGCTCA[C>A]CTTTCCATCAAAGCGTTTTATTATATATTGATCCAGACCCAAGTCTGTAAAAGAAAAGGA-3'